The following is an entry in ClinVar:

ClinVar aggregate classification (germline): Uncertain significance (1 of 4 stars; one submission).

Conditions:
Inborn genetic diseases. Identifiers: MedGen C0950123, MeSH D030342.

Submission:

Ambry Genetics
Classification: Uncertain significance for Inborn genetic diseases. Last evaluated: 2021-07-31. Review status: criteria provided, single submitter. Criteria: Ambry Variant Classification Scheme 2023. Collection method: clinical testing. Allele origin: germline.
Comment: The p.G259V variant (also known as c.776G>T), located in coding exon 4 of the ATR gene, results from a G to T substitution at nucleotide position 776. The glycine at codon 259 is replaced by valine, an amino acid with dissimilar properties. This amino acid position is conserved. In addition, this alteration is predicted to be deleterious by in silico analysis. Since supporting evidence is limited at this time, the clinical significance of this alteration remains unclear.

NM_001184.4(ATR):c.776G>T (p.Gly259Val)

Gene: ATR (ATR checkpoint kinase; minus strand). Cytogenetic location: 3q23.
Variant type: single nucleotide variant.
Coding change: c.776G>T on transcript NM_001184.4 (MANE Select); coding-DNA position 776, G replaced by T.
Protein change: p.Gly259Val; replaces glycine 259 with valine.
Molecular consequence: missense variant.
Genome position (GRCh38, 1-based): chr3:142,562,626, C>A on the plus strand (G>T on the coding strand, the complement: ATR is on the minus strand). VCF-style: chr3-142562626-C-A. GRCh37 (hg19) VCF-style: chr3-142281468-C-A.
Other names: c.776G>T, p.Gly259Val (NM_001354579.2); short protein forms G259V.
Identifiers: ClinVar variation 1760545 (VCV001760545.2), dbSNP rs2473427537, ClinGen allele CA354825555.
Genomic context (GRCh38, chr3:142,562,626, plus strand): 5'-TGTTTTAATAATTCCAAAAATGAGCTGAAAAAAGTGCTAGCTGGTTGTGCTGGTAGTCCT[C>A]CAAGCTGAAAAAGTTCTGTTAAAAAGCTAATTGCTAGGGATTTAATTTTTGGACTACCAT-3'
Protein context (NP_001175.2, residues 249-269): ISFLTELFQL[Gly259Val]GLPAQPASTF